The following is an entry in ClinVar:

NM_015650.4(TRAF3IP1):c.692A>G (p.Gln231Arg)

Gene: TRAF3IP1 (TRAF3 interacting protein 1; plus strand). Cytogenetic location: 2q37.3.
Variant type: single nucleotide variant.
Coding change: c.692A>G on transcript NM_015650.4 (MANE Select); coding-DNA position 692, A replaced by G.
Protein change: p.Gln231Arg; replaces glutamine 231 with arginine.
Molecular consequence: missense variant.
Genome position (GRCh38, 1-based): chr2:238,329,119, A>G. VCF-style: chr2-238329119-A-G. GRCh37 (hg19) VCF-style: chr2-239237760-A-G.
Other names: c.692A>G, p.Gln231Arg (NM_001139490.1); short protein forms Q231R.
Identifiers: ClinVar variation 1440845 (VCV001440845.8), dbSNP rs917476438, ClinGen allele CA67980183.

ClinVar aggregate classification (germline): Uncertain significance (1 of 4 stars; one submission).

Allele frequency attached by ClinVar (database versions not stated): TOPMed below 0.00001.

Submission:

Labcorp Genetics (formerly Invitae), Labcorp
Classification: Uncertain significance. Last evaluated: 2022-03-04. Review status: criteria provided, single submitter. Criteria: Invitae Variant Classification Sherloc (09022015). Collection method: clinical testing. Allele origin: germline.
Comment: In summary, the available evidence is currently insufficient to determine the role of this variant in disease. Therefore, it has been classified as a Variant of Uncertain Significance. Algorithms developed to predict the effect of missense changes on protein structure and function (SIFT, PolyPhen-2, Align-GVGD) all suggest that this variant is likely to be tolerated. This variant has not been reported in the literature in individuals affected with TRAF3IP1-related conditions. This variant is not present in population databases (gnomAD no frequency). This sequence change replaces glutamine, which is neutral and polar, with arginine, which is basic and polar, at codon 231 of the TRAF3IP1 protein (p.Gln231Arg).